The following is an entry in ClinVar:

NM_000369.5(TSHR):c.87C>A (p.Cys29Ter)

Genes: CEP128 (centrosomal protein 128; minus strand), TSHR (thyroid stimulating hormone receptor; plus strand). Cytogenetic location: 14q31.1.
Variant type: single nucleotide variant.
Coding change: c.87C>A on transcript NM_000369.5 (MANE Select); coding-DNA position 87, C replaced by A.
Protein change: p.Cys29Ter; replaces cysteine 29 with a stop codon.
Molecular consequence: nonsense.
Genome position (GRCh38, 1-based): chr14:80,955,767, C>A. VCF-style: chr14-80955767-C-A. GRCh37 (hg19) VCF-style: chr14-81422111-C-A.
Other names: c.87C>A, p.Cys29Ter (NM_001018036.3, NM_001142626.3); short protein forms C29*.
Identifiers: ClinVar variation 2901036 (VCV002901036.4), dbSNP rs777166186, ClinGen allele CA390770595.

ClinVar aggregate classification (germline): Pathogenic. Review status: criteria provided, multiple submitters, no conflicts (2 of 4 stars). 2 submissions from 2 submitters: Pathogenic (2). Last evaluated 2025-03-09.

gnomAD v4.1: 13 of 1,614,066 alleles (0.00081%); highest among the groups gnomAD compares: Admixed American, 0.0017%; no homozygotes.

Submissions (2):

GeneDx
Classification: Pathogenic. Last evaluated: 2025-03-09. Review status: criteria provided, single submitter. Criteria: GeneDx Variant Classification Process June 2021. Collection method: clinical testing. Allele origin: germline. Affected: yes.
Comment: Nonsense variant predicted to result in protein truncation or nonsense mediated decay in a gene for which loss of function is a known mechanism of disease; Not observed at significant frequency in large population cohorts (gnomAD); This variant is associated with the following publications: (PMID: 34200080, 35177841, 8954020)

Labcorp Genetics (formerly Invitae), Labcorp
Classification: Pathogenic. Last evaluated: 2023-11-10. Review status: criteria provided, single submitter. Criteria: Invitae Variant Classification Sherloc (09022015). Collection method: clinical testing. Allele origin: germline.
Comment: This sequence change creates a premature translational stop signal (p.Cys29*) in the TSHR gene. It is expected to result in an absent or disrupted protein product. Loss-of-function variants in TSHR are known to be pathogenic (PMID: 8954020). This variant is present in population databases (no rsID available, gnomAD 0.003%). This variant has not been reported in the literature in individuals affected with TSHR-related conditions. For these reasons, this variant has been classified as Pathogenic.

Literature cited by the submitters: PubMed 8954020 (cited by Labcorp Genetics (formerly Invitae), Labcorp).